The following is an entry in ClinVar:

ClinVar aggregate classification (germline): Uncertain significance. Review status: criteria provided, multiple submitters, no conflicts (2 of 4 stars). 2 submissions from 2 submitters: Uncertain significance (2). Last evaluated 2025-06-17.

Conditions:
Familial thoracic aortic aneurysm and aortic dissection (TAAD). Also called: Thoracic aortic aneurysms and dissections. Identifiers: Orphanet 91387, MedGen C4707243, MONDO:0019625.
Ehlers-Danlos syndrome, kyphoscoliotic type 1 (EDSKSCL1). Also called: Ehlers-Danlos syndrome, hydroxylysine-deficient; EHLERS-DANLOS SYNDROME, TYPE VIA; PLOD1-Related Kyphoscoliotic Ehlers-Danlos Syndrome; EHLERS-DANLOS SYNDROME, OCULAR-SCOLIOTIC TYPE. Identifiers: Orphanet 1900, MedGen C0268342, MONDO:0016002, OMIM 225400. Disease mechanism: loss of function.

Allele frequency attached by ClinVar (database versions not stated): ExAC 0.00001; gnomAD 0.00001; gnomAD exomes 0.00001.
gnomAD v4.1: 13 of 1,613,682 alleles (0.00081%); highest among the groups gnomAD compares: South Asian, 0.0033%; no homozygotes.

Submissions (2):

Ambry Genetics
Classification: Uncertain significance for Familial thoracic aortic aneurysm and aortic dissection. Last evaluated: 2025-06-17. Review status: criteria provided, single submitter. Criteria: Ambry Variant Classification Scheme 2023. Collection method: clinical testing. Allele origin: germline.
Comment: The p.R512H variant (also known as c.1535G>A), located in coding exon 14 of the PLOD1 gene, results from a G to A substitution at nucleotide position 1535. The arginine at codon 512 is replaced by histidine, an amino acid with highly similar properties. This amino acid position is conserved. In addition, this alteration is predicted to be tolerated by in silico analysis. Since supporting evidence is limited at this time, the clinical significance of this alteration remains unclear.

Labcorp Genetics (formerly Invitae), Labcorp
Classification: Uncertain significance for Ehlers-Danlos syndrome, kyphoscoliotic type 1. Last evaluated: 2021-08-14. Review status: criteria provided, single submitter. Criteria: Invitae Variant Classification Sherloc (09022015). Collection method: clinical testing. Allele origin: germline.
Comment: This sequence change replaces arginine with histidine at codon 512 of the PLOD1 protein (p.Arg512His). The arginine residue is weakly conserved and there is a small physicochemical difference between arginine and histidine. This variant is present in population databases (rs773170096, ExAC no frequency). This variant has not been reported in the literature in individuals affected with PLOD1-related conditions. Algorithms developed to predict the effect of missense changes on protein structure and function (SIFT, PolyPhen-2, Align-GVGD) all suggest that this variant is likely to be tolerated. In summary, the available evidence is currently insufficient to determine the role of this variant in disease. Therefore, it has been classified as a Variant of Uncertain Significance.

NM_000302.4(PLOD1):c.1535G>A (p.Arg512His)

Gene: PLOD1 (procollagen-lysine,2-oxoglutarate 5-dioxygenase 1; plus strand). Cytogenetic location: 1p36.22.
Variant type: single nucleotide variant.
Coding change: c.1535G>A on transcript NM_000302.4 (MANE Select); coding-DNA position 1535, G replaced by A.
Protein change: p.Arg512His; replaces arginine 512 with histidine.
Molecular consequence: missense variant.
Genome position (GRCh38, 1-based): chr1:11,965,544, G>A. VCF-style: chr1-11965544-G-A. GRCh37 (hg19) VCF-style: chr1-12025601-G-A.
Other names: c.1676G>A, p.Arg559His (NM_001316320.2); short protein forms R512H, R559H.
Identifiers: ClinVar variation 1371871 (VCV001371871.8), dbSNP rs773170096, ClinGen allele CA598433.
Genomic context (GRCh38, chr1:11,965,544, plus strand): 5'-TGTTCATGTTCCTGACCAACCGGCACACCCTTGGCCATCTGCTCTCCCTAGACAGCTACC[G>A]CACCACCCACCTGCACAACGACCTCTGGGAGGTGTTCAGCAACCCCGAGGTGAGGCCAGG-3'
Protein context (NP_000293.2, residues 502-522): LGHLLSLDSY[Arg512His]TTHLHNDLWE